The following is an entry in ClinVar:

NM_000051.4(ATM):c.8362C>T (p.His2788Tyr)

Genes: ATM (ATM serine/threonine kinase; plus strand), C11orf65 (chromosome 11 open reading frame 65; minus strand). Cytogenetic location: 11q22.3.
Variant type: single nucleotide variant.
Coding change: c.8362C>T on transcript NM_000051.4 (MANE Select); coding-DNA position 8362, C replaced by T.
Protein change: p.His2788Tyr; replaces histidine 2788 with tyrosine.
Molecular consequence: missense variant. On other transcripts: intron variant (2).
Genome position (GRCh38, 1-based): chr11:108,343,315, C>T. VCF-style: chr11-108343315-C-T. GRCh37 (hg19) VCF-style: chr11-108214042-C-T.
Other names: c.695-8023G>A (NM_001351110.2); c.8362C>T, p.His2788Tyr (NM_001351834.2); c.641-34244G>A (NM_001330368.2); short protein forms H2788Y.
Identifiers: ClinVar variation 3720487 (VCV003720487.2).

ClinVar aggregate classification (germline): Uncertain significance. Review status: criteria provided, multiple submitters, no conflicts (2 of 4 stars). 2 submissions from 2 submitters: Uncertain significance (2). Last evaluated 2025-10-16.

Conditions:
Ataxia-telangiectasia syndrome (AT). Also called: Ataxia-telangiectasia, complementation group D; AT, COMPLEMENTATION GROUP C; ATAXIA-TELANGIECTASIA, COMPLEMENTATION GROUP A; ATAXIA-TELANGIECTASIA, FRESNO VARIANT; Ataxia-telangiectasia; Ataxia-telangiectasia, complementation group E. Identifiers: Orphanet 100, MedGen C0004135, MONDO:0008840, OMIM 208900.
Hereditary cancer-predisposing syndrome. Also called: Neoplastic Syndromes, Hereditary; Tumor predisposition; Hereditary Cancer Syndrome; Hereditary neoplastic syndrome. Identifiers: Orphanet 140162, MedGen C0027672, MeSH D009386, MONDO:0015356.

Submissions (2):

Ambry Genetics
Classification: Uncertain significance for Hereditary cancer-predisposing syndrome. Last evaluated: 2025-10-16. Review status: criteria provided, single submitter. Criteria: Ambry Variant Classification Scheme 2023. Collection method: clinical testing. Allele origin: germline.
Comment: The p.H2788Y variant (also known as c.8362C>T), located in coding exon 56 of the ATM gene, results from a C to T substitution at nucleotide position 8362. The histidine at codon 2788 is replaced by tyrosine, an amino acid with similar properties. In an assay testing ATM function, this variant showed a functionally abnormal result (Lee KS et al. Cell, 2025 Sep;188:5081-5099.e27). This amino acid position is highly conserved in available vertebrate species. In addition, this alteration is predicted to be deleterious by in silico analysis. Based on the available evidence, the clinical significance of this variant remains unclear.

Labcorp Genetics (formerly Invitae), Labcorp
Classification: Uncertain significance for Ataxia-telangiectasia syndrome. Last evaluated: 2024-10-06. Review status: criteria provided, single submitter. Criteria: Invitae Variant Classification Sherloc (09022015). Collection method: clinical testing. Allele origin: germline.
Comment: This sequence change replaces histidine, which is basic and polar, with tyrosine, which is neutral and polar, at codon 2788 of the ATM protein (p.His2788Tyr). This variant is not present in population databases (gnomAD no frequency). This variant has not been reported in the literature in individuals affected with ATM-related conditions. Invitae Evidence Modeling of protein sequence and biophysical properties (such as structural, functional, and spatial information, amino acid conservation, physicochemical variation, residue mobility, and thermodynamic stability) has been performed for this missense variant. However, the output from this modeling did not meet the statistical confidence thresholds required to predict the impact of this variant on ATM protein function. In summary, the available evidence is currently insufficient to determine the role of this variant in disease. Therefore, it has been classified as a Variant of Uncertain Significance.

Literature cited by the submitters: PubMed 40580951 (cited by Ambry Genetics).